The following is an entry in ClinVar:

ClinVar aggregate classification (germline): Uncertain significance. Review status: criteria provided, multiple submitters, no conflicts (2 of 4 stars). 2 submissions from 2 submitters: Uncertain significance (2). Last evaluated 2025-04-13.

Submissions (2):

GeneDx
Classification: Uncertain significance. Last evaluated: 2025-04-13. Review status: criteria provided, single submitter. Criteria: GeneDx Variant Classification Process June 2021. Collection method: clinical testing. Allele origin: germline.
Comment: Not observed at significant frequency in large population cohorts (gnomAD); In silico analysis indicates that this missense variant does not alter protein structure/function; Has not been previously published as pathogenic or benign to our knowledge.

Labcorp Genetics (formerly Invitae), Labcorp
Classification: Uncertain significance. Last evaluated: 2024-07-06. Review status: criteria provided, single submitter. Criteria: Invitae Variant Classification Sherloc (09022015). Collection method: clinical testing. Allele origin: germline.
Comment: This sequence change replaces leucine, which is neutral and non-polar, with arginine, which is basic and polar, at codon 3237 of the KMT2A protein (p.Leu3237Arg). This variant is not present in population databases (gnomAD no frequency). This variant has not been reported in the literature in individuals affected with KMT2A-related conditions. Advanced modeling of protein sequence and biophysical properties (such as structural, functional, and spatial information, amino acid conservation, physicochemical variation, residue mobility, and thermodynamic stability) performed at Invitae indicates that this missense variant is not expected to disrupt KMT2A protein function with a negative predictive value of 95%. In summary, the available evidence is currently insufficient to determine the role of this variant in disease. Therefore, it has been classified as a Variant of Uncertain Significance.

NM_001197104.2(KMT2A):c.9710T>G (p.Leu3237Arg)

Gene: KMT2A (lysine methyltransferase 2A; plus strand). Cytogenetic location: 11q23.3.
Variant type: single nucleotide variant.
Coding change: c.9710T>G on transcript NM_001197104.2 (MANE Select); coding-DNA position 9710, T replaced by G.
Protein change: p.Leu3237Arg; replaces leucine 3237 with arginine.
Molecular consequence: missense variant.
Genome position (GRCh38, 1-based): chr11:118,505,602, T>G. VCF-style: chr11-118505602-T-G. GRCh37 (hg19) VCF-style: chr11-118376317-T-G.
Other names: c.9800T>G, p.Leu3267Arg (NM_001412597.1); c.9701T>G, p.Leu3234Arg (NM_005933.4); short protein forms L3234R, L3237R, L3267R.
Identifiers: ClinVar variation 3573742 (VCV003573742.4).